The following is an entry in ClinVar:

ClinVar aggregate classification (germline): Uncertain significance (1 of 4 stars; one submission).

Conditions:
Inborn genetic diseases. Identifiers: MedGen C0950123, MeSH D030342.

Submission:

Ambry Genetics
Classification: Uncertain significance for Inborn genetic diseases. Last evaluated: 2025-08-28. Review status: criteria provided, single submitter. Criteria: Ambry Variant Classification Scheme 2023. Collection method: clinical testing. Allele origin: germline.
Comment: The p.D61G variant (also known as c.182A>G), located in coding exon 2 of the CAV1 gene, results from an A to G substitution at nucleotide position 182. The aspartic acid at codon 61 is replaced by glycine, an amino acid with similar properties. This amino acid position is conserved. In addition, this alteration is predicted to be deleterious by in silico analysis. Based on the available evidence, the clinical significance of this variant remains unclear.

NM_001753.5(CAV1):c.182A>G (p.Asp61Gly)

Genes: CAV1 (caveolin 1; plus strand), LOC129999169 (ATAC-STARR-seq lymphoblastoid silent region 18558; plus strand). Cytogenetic location: 7q31.2.
Variant type: single nucleotide variant.
Coding change: c.182A>G on transcript NM_001753.5 (MANE Select); coding-DNA position 182, A replaced by G.
Protein change: p.Asp61Gly; replaces aspartic acid 61 with glycine.
Molecular consequence: missense variant.
Genome position (GRCh38, 1-based): chr7:116,526,676, A>G. VCF-style: chr7-116526676-A-G. GRCh37 (hg19) VCF-style: chr7-116166730-A-G.
Other names: c.89A>G, p.Asp30Gly (NM_001172895.1, NM_001172896.2, NM_001172897.2); short protein forms D61G, D30G.
Identifiers: ClinVar variation 4219735 (VCV004219735.1).